The following is an entry in ClinVar:

NM_025114.3(CEP290):c.6819-?_*171+?dup

Gene: CEP290 (centrosomal protein 290; minus strand).
Variant type: Duplication.
Coding change: c.6819-?_*171+?dup on transcript NM_025114.3.
Identifiers: ClinVar variation 241586 (VCV000241586.1).

ClinVar aggregate classification (germline): Uncertain significance (1 of 4 stars; one submission).

Conditions:
Meckel-Gruber syndrome. Also called: Dysencephalia splachnocystica; DYSENCEPHALIA SPLANCHNOCYSTICA; GRUBER SYNDROME. Identifiers: Orphanet 564, MedGen C0265215, MONDO:0018921.
Nephronophthisis. Also called: Juvenile Nephronophthisis. Identifiers: Orphanet 655, MedGen C0687120, MONDO:0019005, HP:0000090.
Joubert syndrome. Also called: CEREBELLOPARENCHYMAL DISORDER IV; JOUBERT-BOLTSHAUSER SYNDROME; Familial aplasia of the vermis. Identifiers: Orphanet 475, MedGen C5979921, MONDO:0018772.

Submission:

Labcorp Genetics (formerly Invitae), Labcorp
Classification: Uncertain significance for Joubert syndrome; Meckel-Gruber syndrome; Nephronophthisis. Last evaluated: 2016-03-13. Review status: criteria provided, single submitter. Criteria: Invitae Variant Classification Sherloc (09022015). Collection method: clinical testing. Allele origin: germline.
Comment: This variant is a gross duplication of the genomic region encompassing exons 50-54 of the CEP290 gene. The 5' boundary is likely confined to intron 49. The 3' end of this event is unknown as it extends beyond the assayed region for this gene and therefore may encompass additional genes. A duplication of exons 50-54 in CEP290 has not been reported in the population databases or in the published literature. In summary, the 3' boundary, genomic location and functional effect of this duplication has not been established. Therefore, it has been classified as a Variant of Uncertain Significance.